The following is an entry in ClinVar:

ClinVar aggregate classification (germline): Uncertain significance. Review status: criteria provided, multiple submitters, no conflicts (2 of 4 stars). 2 submissions from 2 submitters: Uncertain significance (2). Last evaluated 2025-11-15.

Conditions:
Arrhythmogenic right ventricular dysplasia 10. Also called: Arrhythmogenic Right Ventricular Dysplasia/Cardiomyopathy10; ARRHYTHMOGENIC RIGHT VENTRICULAR DYSPLASIA, FAMILIAL, 10; Arrhythmogenic right ventricular dysplasia/cardiomyopathy, type 10. Identifiers: MedGen C1857777, MONDO:0012434, OMIM 610193.
Cardiovascular phenotype. Identifiers: MedGen CN230736.

Submissions (2):

Ambry Genetics
Classification: Uncertain significance for Cardiovascular phenotype. Last evaluated: 2025-11-15. Review status: criteria provided, single submitter. Criteria: Ambry Variant Classification Scheme 2023. Collection method: clinical testing. Allele origin: germline.
Comment: The p.R600S variant (also known as c.1800G>T), located in coding exon 12 of the DSG2 gene, results from a G to T substitution at nucleotide position 1800. The arginine at codon 600 is replaced by serine, an amino acid with dissimilar properties. This amino acid position is conserved. In addition, this alteration is predicted to be tolerated by in silico analysis. Based on the available evidence, the clinical significance of this variant remains unclear.

Labcorp Genetics (formerly Invitae), Labcorp
Classification: Uncertain significance for Arrhythmogenic right ventricular dysplasia 10. Last evaluated: 2025-10-23. Review status: criteria provided, single submitter. Criteria: Invitae Variant Classification Sherloc (09022015). Collection method: clinical testing. Allele origin: germline.
Comment: This sequence change replaces arginine, which is basic and polar, with serine, which is neutral and polar, at codon 600 of the DSG2 protein (p.Arg600Ser). This variant is not present in population databases (gnomAD no frequency). This variant has not been reported in the literature in individuals affected with DSG2-related conditions. Invitae Evidence Modeling of protein sequence and biophysical properties (such as structural, functional, and spatial information, amino acid conservation, physicochemical variation, residue mobility, and thermodynamic stability) indicates that this missense variant is not expected to disrupt DSG2 protein function with a negative predictive value of 95%. In summary, the available evidence is currently insufficient to determine the role of this variant in disease. Therefore, it has been classified as a Variant of Uncertain Significance.

NM_001943.5(DSG2):c.1800G>T (p.Arg600Ser)

Gene: DSG2 (desmoglein 2; plus strand). Cytogenetic location: 18q12.1.
Variant type: single nucleotide variant.
Coding change: c.1800G>T on transcript NM_001943.5 (MANE Select); coding-DNA position 1800, G replaced by T.
Protein change: p.Arg600Ser; replaces arginine 600 with serine.
Molecular consequence: missense variant.
Genome position (GRCh38, 1-based): chr18:31,538,899, G>T. VCF-style: chr18-31538899-G-T. GRCh37 (hg19) VCF-style: chr18-29118862-G-T.
Other names: short protein forms R600S.
Identifiers: ClinVar variation 4614020 (VCV004614020.2).